The following is an entry in ClinVar:

ClinVar aggregate classification (germline): Uncertain significance (1 of 4 stars; one submission).

Conditions:
Autosomal recessive limb-girdle muscular dystrophy type 2J (LGMDR10). Also called: Limb-girdle muscular dystrophy, type 2J; MUSCULAR DYSTROPHY, LIMB-GIRDLE, AUTOSOMAL RECESSIVE 10. Identifiers: Orphanet 140922, MedGen C1837342, MONDO:0012127, OMIM 608807.
Dilated cardiomyopathy 1G (CMD1G). Identifiers: Orphanet 154, MedGen C1858763, MONDO:0011400, OMIM 604145.

gnomAD v4.1: 1 of 1,613,950 alleles (0.000062%); no homozygotes.

Submission:

Labcorp Genetics (formerly Invitae), Labcorp
Classification: Uncertain significance for Dilated cardiomyopathy 1G; Autosomal recessive limb-girdle muscular dystrophy type 2J. Last evaluated: 2025-10-29. Review status: criteria provided, single submitter. Criteria: Invitae Variant Classification Sherloc (09022015). Collection method: clinical testing. Allele origin: germline.
Comment: This sequence change replaces threonine, which is neutral and polar, with alanine, which is neutral and non-polar, at codon 35408 of the TTN protein (p.Thr35408Ala). This variant is not present in population databases (gnomAD no frequency). This variant has not been reported in the literature in individuals affected with TTN-related conditions. An algorithm developed to predict the effect of missense changes on protein structure and function outputs the following: PolyPhen-2: "Not Available". The alanine amino acid residue is found in multiple mammalian species, which suggests that this missense change does not adversely affect protein function. This variant is located in the M band of TTN (PMID: 25589632). Non-truncating variants in this region may be relevant for neuromuscular disorders, but have not been definitively shown to cause cardiomyopathy (PMID: 23975875). In summary, the available evidence is currently insufficient to determine the role of this variant in disease. Therefore, it has been classified as a Variant of Uncertain Significance.

Literature cited by the submitters: PubMed 25589632; PubMed 23975875.

NM_001267550.2(TTN):c.106222A>G (p.Thr35408Ala)

Genes: TTN (titin; minus strand), TTN-AS1 (TTN antisense RNA 1; plus strand). Cytogenetic location: 2q31.2.
Variant type: single nucleotide variant.
Coding change: c.106222A>G on transcript NM_001267550.2 (MANE Select); coding-DNA position 106222, A replaced by G.
Protein change: p.Thr35408Ala; replaces threonine 35408 with alanine.
Molecular consequence: missense variant.
Genome position (GRCh38, 1-based): chr2:178,530,393, T>C on the plus strand (A>G on the coding strand, the complement: TTN is on the minus strand). VCF-style: chr2-178530393-T-C. GRCh37 (hg19) VCF-style: chr2-179395120-T-C.
Other names: c.101299A>G, p.Thr33767Ala (NM_001256850.1); c.79027A>G, p.Thr26343Ala (NM_003319.4); c.98518A>G, p.Thr32840Ala (NM_133378.4); c.79402A>G, p.Thr26468Ala (NM_133432.3); c.79603A>G, p.Thr26535Ala (NM_133437.4); short protein forms T26535A, T33767A, T32840A, T26343A, T26468A, T35408A.
Identifiers: ClinVar variation 4786564 (VCV004786564.1).